The following is an entry in ClinVar:

NM_032608.7(MYO18B):c.7431G>A (p.Thr2477=)

Gene: MYO18B (myosin XVIIIB; plus strand). Cytogenetic location: 22q12.1.
Variant type: single nucleotide variant.
Coding change: c.7431G>A on transcript NM_032608.7 (MANE Select); coding-DNA position 7431, G replaced by A.
Protein change: p.Thr2477=; no amino-acid change (threonine 2477 retained).
Molecular consequence: synonymous variant.
Genome position (GRCh38, 1-based): chr22:26,027,405, G>A. VCF-style: chr22-26027405-G-A. GRCh37 (hg19) VCF-style: chr22-26423371-G-A.
Other names: c.7431G>A (NM_032608.6); c.7434G>A, p.Thr2478= (NM_001318245.2).
Identifiers: ClinVar variation 1644572 (VCV001644572.9), dbSNP rs777532590, ClinGen allele CA10161776.

ClinVar aggregate classification (germline): Likely benign. Review status: criteria provided, multiple submitters, no conflicts (2 of 4 stars). 2 submissions from 2 submitters: Likely benign (2). Last evaluated 2026-04-20.

Conditions:
MYO18B-related disorder. Also called: MYO18B-related condition.

Allele frequency attached by ClinVar (database versions not stated): gnomAD 0.00001; TOPMed 0.00001; ExAC 0.00002; gnomAD exomes 0.00006 and 0.00007.
gnomAD v4.1: 99 of 1,613,852 alleles (0.0061%); highest among the groups gnomAD compares: South Asian, 0.02%; no homozygotes.

Submissions (2):

PreventionGenetics, part of Exact Sciences
Classification: Likely benign for MYO18B-related condition. Last evaluated: 2026-04-20. Review status: criteria provided, single submitter. Criteria: ACMG Guidelines, 2015. Collection method: clinical testing. Allele origin: germline.
Comment: This variant is classified as likely benign based on ACMG/AMP sequence variant interpretation guidelines (Richards et al. 2015 PMID: 25741868, with internal and published modifications).

Labcorp Genetics (formerly Invitae), Labcorp
Classification: Likely benign. Last evaluated: 2025-10-21. Review status: criteria provided, single submitter. Criteria: Invitae Variant Classification Sherloc (09022015). Collection method: clinical testing. Allele origin: germline.